The following is an entry in ClinVar:

NM_000414.4(HSD17B4):c.1135_1136insACTGTCTC (p.Val379fs)

Gene: HSD17B4 (hydroxysteroid 17-beta dehydrogenase 4; plus strand). Cytogenetic location: 5q23.1.
Variant type: Insertion.
Coding change: c.1135_1136insACTGTCTC on transcript NM_000414.4 (MANE Select); coding-DNA positions 1135 to 1136, ACTGTCTC inserted.
Protein change: p.Val379fs; shifts the reading frame from valine 379.
Molecular consequence: frameshift variant. On other transcripts: non-coding transcript variant (2).
Genome position: GRCh38 VCF-style: chr5-119499479-G-GACTGTCTC. GRCh37 (hg19) VCF-style: chr5-118835174-G-GACTGTCTC.
Other names: c.724_725insACTGTCTC, p.Val242fs (NM_001374502.1, NM_001374503.1, NM_001374501.1); c.1210_1211insACTGTCTC, p.Val404fs (NM_001199291.3); c.1081_1082insACTGTCTC, p.Val361fs (NM_001199292.2); c.1063_1064insACTGTCTC, p.Val355fs (NM_001292027.2); c.715_716insACTGTCTC, p.Val239fs (NM_001292028.2); c.1126_1127insACTGTCTC, p.Val376fs (NM_001374497.1); c.1135_1136insACTGTCTC, p.Val379fs (NM_001374498.1); c.808_809insACTGTCTC, p.Val270fs (NM_001374499.1); and 1 more; short protein forms V232fs, V239fs, V242fs, V270fs, V355fs, V361fs, V376fs, V379fs.
Identifiers: ClinVar variation 1724808 (VCV001724808.3), dbSNP rs2531743142, ClinGen allele CA2580072440.

ClinVar aggregate classification (germline): Likely pathogenic (1 of 4 stars; one submission).

Conditions:
Bifunctional peroxisomal enzyme deficiency (DBIF). Also called: DBP DEFICIENCY; PBFE DEFICIENCY; D-bifunctional protein deficiency. Identifiers: Orphanet 300, MedGen C0342870, MONDO:0009855, OMIM 261515. Disease mechanism: loss of function.

Submission:

Myriad Genetics, Inc.
Classification: Likely pathogenic for Bifunctional peroxisomal enzyme deficiency. Last evaluated: 2022-02-28. Review status: criteria provided, single submitter. Criteria: Myriad Autosomal Dominant, Autosomal Recessive and X-Linked Classification Criteria (2023). Collection method: clinical testing. Allele origin: unknown.
Comment: NM_000414.3(HSD17B4):c.1135_1136ins8(V379Dfs*6) is expected to be pathogenic in the context of HSD17B4-related disorders. This variant is predicted to lead to an abnormal or absent protein product due to the creation of a premature termination codon in HSD17B4, a gene where loss-of-function variants are known to be pathogenic. Please note: this variant was assessed in the context of healthy population screening.